The following is an entry in ClinVar:

NM_014727.3(KMT2B):c.7207G>A (p.Glu2403Lys)

Gene: KMT2B (lysine methyltransferase 2B; plus strand). Cytogenetic location: 19q13.12.
Variant type: single nucleotide variant.
Coding change: c.7207G>A on transcript NM_014727.3 (MANE Select); coding-DNA position 7207, G replaced by A.
Protein change: p.Glu2403Lys; replaces glutamic acid 2403 with lysine.
Molecular consequence: missense variant.
Genome position (GRCh38, 1-based): chr19:35,736,737, G>A. VCF-style: chr19-35736737-G-A. GRCh37 (hg19) VCF-style: chr19-36227638-G-A.
Other names: short protein forms E2403K.
Identifiers: ClinVar variation 2816816 (VCV002816816.3), dbSNP rs1348182202, ClinGen allele CA405434100.

ClinVar aggregate classification (germline): Uncertain significance (1 of 4 stars; one submission).

Allele frequency attached by ClinVar (database versions not stated): TOPMed 0.00001.

Submission:

Labcorp Genetics (formerly Invitae), Labcorp
Classification: Uncertain significance. Last evaluated: 2023-02-09. Review status: criteria provided, single submitter. Criteria: Invitae Variant Classification Sherloc (09022015). Collection method: clinical testing. Allele origin: germline.
Comment: This sequence change replaces glutamic acid, which is acidic and polar, with lysine, which is basic and polar, at codon 2403 of the KMT2B protein (p.Glu2403Lys). This variant is not present in population databases (gnomAD no frequency). This variant has not been reported in the literature in individuals affected with KMT2B-related conditions. Advanced modeling of protein sequence and biophysical properties (such as structural, functional, and spatial information, amino acid conservation, physicochemical variation, residue mobility, and thermodynamic stability) performed at Invitae indicates that this missense variant is not expected to disrupt KMT2B protein function. In summary, the available evidence is currently insufficient to determine the role of this variant in disease. Therefore, it has been classified as a Variant of Uncertain Significance.